The following is an entry in ClinVar:

NM_015122.3(FCHO1):c.756del (p.Phe252fs)

Gene: FCHO1 (FCH and mu domain containing endocytic adaptor 1; plus strand). Cytogenetic location: 19p13.11.
Variant type: Deletion.
Coding change: c.756del on transcript NM_015122.3 (MANE Select); coding-DNA position 756, one base deleted (T; older notation c.756delT).
Protein change: p.Phe252fs; shifts the reading frame from phenylalanine 252.
Molecular consequence: frameshift variant. On other transcripts: non-coding transcript variant (34).
Genome position (GRCh38, 1-based): chr19:17,772,707, T deleted; the last of 3 consecutive T bases (chr19:17,772,705-17,772,707); deleting any one gives the same sequence. VCF-style (leftmost placement, unchanged base first): chr19-17772704-GT-G. GRCh37 (hg19) VCF-style: chr19-17883513-GT-G.
Other names: c.756del, p.Phe252fs (NM_001161357.2, NM_001161358.2, NM_001384370.1 and 26 more transcripts); c.606del, p.Phe202fs (NM_001161359.2, NM_001384384.1, NM_001384385.1 and 3 more transcripts); c.717del, p.Phe239fs (NM_001384388.1, NM_001384389.1, NM_001384405.1); c.681del, p.Phe227fs (NM_001384390.1); short protein forms F227fs, F202fs, F239fs, F252fs.
Identifiers: ClinVar variation 3674429 (VCV003674429.2).

ClinVar aggregate classification (germline): Pathogenic (1 of 4 stars; one submission).

Submission:

Labcorp Genetics (formerly Invitae), Labcorp
Classification: Pathogenic. Last evaluated: 2024-08-06. Review status: criteria provided, single submitter. Criteria: Invitae Variant Classification Sherloc (09022015). Collection method: clinical testing. Allele origin: germline.
Comment: This sequence change creates a premature translational stop signal (p.Phe252Leufs*29) in the FCHO1 gene. It is expected to result in an absent or disrupted protein product. Loss-of-function variants in FCHO1 are known to be pathogenic (PMID: 30822429). This variant is not present in population databases (gnomAD no frequency). This variant has not been reported in the literature in individuals affected with FCHO1-related conditions. For these reasons, this variant has been classified as Pathogenic.

Literature cited by the submitters: PubMed 30822429.